The following is an entry in ClinVar:

ClinVar aggregate classification (germline): Likely pathogenic (1 of 4 stars; one submission).

Conditions:
Stargardt disease 4 (STGD4). Identifiers: Orphanet 827, MedGen C1863534, MONDO:0011370, OMIM 603786.
Retinitis pigmentosa 41 (RP41). Also called: RETINAL DEGENERATION, AUTOSOMAL RECESSIVE, PROMININ-RELATED. Identifiers: Orphanet 791, MedGen C2677516, MONDO:0012796, OMIM 612095.
Cone-rod dystrophy 12 (CORD12). Identifiers: Orphanet 1872, MedGen C2675210, MONDO:0012983, OMIM 612657.
Retinal macular dystrophy type 2 (MCDR2). Also called: Bull's eye macular dystrophy. Identifiers: Orphanet 319640, MedGen C4749334, MONDO:0011957, OMIM 608051.

Submission:

Juno Genomics, Hangzhou Juno Genomics, Inc
Classification: Likely pathogenic for Cone-rod dystrophy 12; Retinal macular dystrophy type 2; Retinitis pigmentosa 41; Stargardt disease 4. Review status: criteria provided, single submitter. Criteria: ACMG Guidelines, 2015. Collection method: clinical testing. Allele origin: germline.
Comment: Absent from controls (or at extremely low frequency if recessive) in Genome Aggregation Database.;Null variant in a gene where loss of function (LOF) is a known mechanism of disease.

NM_006017.3(PROM1):c.775del (p.Met259fs)

Gene: PROM1 (prominin 1; minus strand). Cytogenetic location: 4p15.32.
Variant type: Deletion.
Coding change: c.775del on transcript NM_006017.3 (MANE Select); coding-DNA position 775, one base deleted (A; older notation c.775delA).
Protein change: p.Met259fs; shifts the reading frame from methionine 259.
Molecular consequence: frameshift variant. On other transcripts: non-coding transcript variant (2).
Genome position (GRCh38, 1-based): chr4:16,023,335, T deleted on the plus strand (A on the coding strand, the reverse complement: PROM1 is on the minus strand). VCF-style (leftmost placement, unchanged base first): chr4-16023334-AT-A. GRCh37 (hg19) VCF-style: chr4-16024957-AT-A.
Other names: c.748del, p.Met250fs (NM_001145847.2, NM_001145848.2, NM_001145851.2 and 9 more transcripts); c.775del, p.Met259fs (NM_001145849.2, NM_001145850.2); c.664del, p.Met222fs (NM_001441174.1); c.409del, p.Met137fs (NM_001441179.1); short protein forms M137fs, M222fs, M250fs, M259fs.
Identifiers: ClinVar variation 5019336 (VCV005019336.2).